The following is an entry in ClinVar:

ClinVar aggregate classification (germline): Uncertain significance (1 of 4 stars; one submission).

Submission:

GeneDx
Classification: Uncertain significance. Last evaluated: 2024-10-16. Review status: criteria provided, single submitter. Criteria: GeneDx Variant Classification Process June 2021. Collection method: clinical testing. Allele origin: germline. Affected: yes.
Comment: Not observed at significant frequency in large population cohorts (gnomAD); In silico analysis supports that this missense variant has a deleterious effect on protein structure/function; Has not been previously published as pathogenic or benign to our knowledge

NM_198253.3(TERT):c.1208G>A (p.Cys403Tyr)

Gene: TERT (telomerase reverse transcriptase; minus strand). Cytogenetic location: 5p15.33.
Variant type: single nucleotide variant.
Coding change: c.1208G>A on transcript NM_198253.3 (MANE Select); coding-DNA position 1208, G replaced by A.
Protein change: p.Cys403Tyr; replaces cysteine 403 with tyrosine.
Molecular consequence: missense variant. On other transcripts: non-coding transcript variant (2).
Genome position (GRCh38, 1-based): chr5:1,293,678, C>T on the plus strand (G>A on the coding strand, the complement: TERT is on the minus strand). VCF-style: chr5-1293678-C-T. GRCh37 (hg19) VCF-style: chr5-1293793-C-T.
Other names: c.1208G>A, p.Cys403Tyr (NM_001193376.3); short protein forms C403Y.
Identifiers: ClinVar variation 3781248 (VCV003781248.1).
Genomic context (GRCh38, chr5:1,293,678, plus strand): 5'-GCTGCTGGGGTGACCGCAGCTCGCAGCGGGCAGTGCGTCTTGAGGAGCACCCCGTAGGGG[C>T]ACTGCGCGTGGTTCCCAAGCAGCTCCAGAAACAGGGGCCGCATTTGCCAGTAGCGCTGGG-3'
Protein context (NP_937983.2, residues 393-413): FLELLGNHAQ[Cys403Tyr]PYGVLLKTHC